The following is an entry in ClinVar:

NM_015331.3(NCSTN):c.14G>T (p.Gly5Val)

Gene: NCSTN (nicastrin; plus strand). Cytogenetic location: 1q23.2.
Variant type: single nucleotide variant.
Coding change: c.14G>T on transcript NM_015331.3 (MANE Select); coding-DNA position 14, G replaced by T.
Protein change: p.Gly5Val; replaces glycine 5 with valine.
Molecular consequence: missense variant. On other transcripts: 5 prime UTR variant (1).
Genome position (GRCh38, 1-based): chr1:160,343,410, G>T. VCF-style: chr1-160343410-G-T. GRCh37 (hg19) VCF-style: chr1-160313200-G-T.
Other names: c.-186G>T (NM_001290184.2); c.14G>T, p.Gly5Val (NM_001290186.2, NM_001349729.2); short protein forms G5V.
Identifiers: ClinVar variation 2892412 (VCV002892412.3), dbSNP rs528352370, ClinGen allele CA1198537.

ClinVar aggregate classification (germline): Uncertain significance (1 of 4 stars; one submission).

gnomAD v4.1: 24 of 1,612,916 alleles (0.0015%); highest among the groups gnomAD compares: Middle Eastern, 0.016%; no homozygotes.

Submission:

Labcorp Genetics (formerly Invitae), Labcorp
Classification: Uncertain significance. Last evaluated: 2023-12-30. Review status: criteria provided, single submitter. Criteria: Invitae Variant Classification Sherloc (09022015). Collection method: clinical testing. Allele origin: germline.
Comment: This sequence change replaces glycine, which is neutral and non-polar, with valine, which is neutral and non-polar, at codon 5 of the NCSTN protein (p.Gly5Val). This variant is present in population databases (rs528352370, gnomAD 0.004%). This variant has not been reported in the literature in individuals affected with NCSTN-related conditions. Algorithms developed to predict the effect of missense changes on protein structure and function output the following: SIFT: "Not Available"; PolyPhen-2: "Benign"; Align-GVGD: "Not Available". The valine amino acid residue is found in multiple mammalian species, which suggests that this missense change does not adversely affect protein function. In summary, the available evidence is currently insufficient to determine the role of this variant in disease. Therefore, it has been classified as a Variant of Uncertain Significance.